The following is an entry in ClinVar:

NM_015158.5(KANK1):c.3996+78C>T

Gene: KANK1 (KN motif and ankyrin repeat domains 1; plus strand). Cytogenetic location: 9p24.3.
Variant type: single nucleotide variant.
Coding change: c.3996+78C>T on transcript NM_015158.5 (MANE Select); 78 bases into the intron after coding-DNA position 3996, C replaced by T.
Molecular consequence: intron variant.
Genome position (GRCh38, 1-based): chr9:744,667, C>T. VCF-style: chr9-744667-C-T. GRCh37 (hg19) VCF-style: chr9-744667-C-T.
Other names: c.3996+78C>T (NM_001256876.3, NM_001438412.1, NM_001354334.2 and 1 more transcripts); c.3522+78C>T (NM_001354333.2, NM_001354335.2, NM_001354337.2 and 2 more transcripts); c.3756+78C>T (NM_001354331.2); c.3942+78C>T (NM_001354332.2); c.3228+78C>T (NM_001354336.2, NM_001438411.1); c.3282+78C>T (NM_001354339.2, NM_001354343.2, NM_001354342.2); c.3468+78C>T (NM_001354338.2, NM_001354340.2, NM_001354344.2).
Identifiers: ClinVar variation 5039237 (VCV005039237.1).

ClinVar aggregate classification (germline): Likely benign (1 of 4 stars; one submission).

gnomAD v4.1: 60 of 1,611,218 alleles (0.0037%); highest among the groups gnomAD compares: African/African-American, 0.0053%; no homozygotes.

Submission:

CeGaT Center for Human Genetics Tuebingen
Classification: Likely benign. Last evaluated: 2026-08-01. Review status: criteria provided, single submitter. Criteria: CeGaT Center For Human Genetics Tuebingen Variant Classification Criteria Version 2. Collection method: clinical testing. Allele origin: germline. Affected: yes. Observed: 1 variant allele.
Comment: KANK1: BP4, BP7